The following is an entry in ClinVar:

NM_000548.5(TSC2):c.996G>C (p.Glu332Asp)

Gene: TSC2 (TSC complex subunit 2; plus strand). Cytogenetic location: 16p13.3.
Variant type: single nucleotide variant.
Coding change: c.996G>C on transcript NM_000548.5 (MANE Select); coding-DNA position 996, G replaced by C.
Protein change: p.Glu332Asp; replaces glutamic acid 332 with aspartic acid.
Molecular consequence: missense variant.
Genome position (GRCh38, 1-based): chr16:2,060,690, G>C. VCF-style: chr16-2060690-G-C. GRCh37 (hg19) VCF-style: chr16-2110691-G-C.
Other names: c.996G>C, p.Glu332Asp (NM_021055.3, NM_001077183.3, NM_001114382.3 and 3 more transcripts); c.885G>C, p.Glu295Asp (NM_001318827.2); c.849G>C, p.Glu283Asp (NM_001318829.2); c.396G>C, p.Glu132Asp (NM_001318831.2); c.1029G>C, p.Glu343Asp (NM_001318832.2); short protein forms E343D, E295D, E132D, E283D, E332D.
Identifiers: ClinVar variation 823584 (VCV000823584.15), dbSNP rs757788971, ClinGen allele CA394317311.

ClinVar aggregate classification (germline): Uncertain significance. Review status: criteria provided, multiple submitters, no conflicts (2 of 4 stars). 3 submissions from 3 submitters: Uncertain significance (3). Last evaluated 2025-04-07.

Conditions:
Tuberous sclerosis 2 (TSC2). Identifiers: Orphanet 805, MedGen C1860707, MONDO:0013199, OMIM 613254.
Hereditary cancer-predisposing syndrome. Also called: Hereditary Cancer Syndrome; Neoplastic Syndromes, Hereditary; Hereditary neoplastic syndrome; Tumor predisposition. Identifiers: Orphanet 140162, MedGen C0027672, MeSH D009386, MONDO:0015356.

Submissions (3):

Labcorp Genetics (formerly Invitae), Labcorp
Classification: Uncertain significance for Tuberous sclerosis 2. Last evaluated: 2025-04-07. Review status: criteria provided, single submitter. Criteria: Invitae Variant Classification Sherloc (09022015). Collection method: clinical testing. Allele origin: germline.
Comment: This sequence change replaces glutamic acid, which is acidic and polar, with aspartic acid, which is acidic and polar, at codon 332 of the TSC2 protein (p.Glu332Asp). This variant is not present in population databases (gnomAD no frequency). This variant has not been reported in the literature in individuals affected with TSC2-related conditions. ClinVar contains an entry for this variant (Variation ID: 823584). Invitae Evidence Modeling of protein sequence and biophysical properties (such as structural, functional, and spatial information, amino acid conservation, physicochemical variation, residue mobility, and thermodynamic stability) indicates that this missense variant is not expected to disrupt TSC2 protein function with a negative predictive value of 95%. In summary, the available evidence is currently insufficient to determine the role of this variant in disease. Therefore, it has been classified as a Variant of Uncertain Significance.

Genome-Nilou Lab
Classification: Uncertain significance for Tuberous sclerosis 2. Last evaluated: 2021-11-07. Review status: criteria provided, single submitter. Criteria: ACMG Guidelines, 2015. Collection method: clinical testing. Allele origin: germline. Affected: no.

Ambry Genetics
Classification: Uncertain significance for Hereditary cancer-predisposing syndrome. Last evaluated: 2018-03-30. Review status: criteria provided, single submitter. Criteria: Ambry Variant Classification Scheme 2023. Collection method: clinical testing. Allele origin: germline.
Comment: The p.E332D variant (also known as c.996G>C), located in coding exon 10 of the TSC2 gene, results from a G to C substitution at nucleotide position 996. The glutamic acid at codon 332 is replaced by aspartic acid, an amino acid with highly similar properties. This amino acid position is not well conserved in available vertebrate species. In addition, the in silico prediction for this alteration is inconclusive. Since supporting evidence is limited at this time, the clinical significance of this alteration remains unclear.